The following is an entry in ClinVar:

NM_181872.6(DMRT2):c.152A>G (p.Asp51Gly)

Gene: DMRT2 (doublesex and mab-3 related transcription factor 2; plus strand). Cytogenetic location: 9p24.3.
Variant type: single nucleotide variant.
Coding change: c.152A>G on transcript NM_181872.6 (MANE Select); coding-DNA position 152, A replaced by G.
Protein change: p.Asp51Gly; replaces aspartic acid 51 with glycine.
Molecular consequence: missense variant. On other transcripts: 5 prime UTR variant (1), non-coding transcript variant (1).
Genome position (GRCh38, 1-based): chr9:1,051,765, A>G. VCF-style: chr9-1051765-A-G. GRCh37 (hg19) VCF-style: chr9-1051765-A-G.
Other names: c.152A>G, p.Asp51Gly (NM_001130865.3, NM_001370531.1, NM_001370533.1 and 4 more transcripts); c.-499A>G (NM_001370532.1); short protein forms D51G.
Identifiers: ClinVar variation 2829169 (VCV002829169.3), dbSNP rs1193210086, ClinGen allele CA372773117.

ClinVar aggregate classification (germline): Uncertain significance (1 of 4 stars; one submission).

Allele frequency attached by ClinVar (database versions not stated): gnomAD exomes below 0.00001.
gnomAD v4.1: 4 of 1,525,808 alleles (0.00026%); highest among the groups gnomAD compares: African/African-American, 0.0014%; no homozygotes.

Submission:

Labcorp Genetics (formerly Invitae), Labcorp
Classification: Uncertain significance. Last evaluated: 2024-09-04. Review status: criteria provided, single submitter. Criteria: Invitae Variant Classification Sherloc (09022015). Collection method: clinical testing. Allele origin: germline.
Comment: This sequence change replaces aspartic acid, which is acidic and polar, with glycine, which is neutral and non-polar, at codon 51 of the DMRT2 protein (p.Asp51Gly). The frequency data for this variant in the population databases is considered unreliable, as metrics indicate poor data quality at this position in the gnomAD database. This variant has not been reported in the literature in individuals affected with DMRT2-related conditions. An algorithm developed to predict the effect of missense changes on protein structure and function (PolyPhen-2) suggests that this variant is likely to be disruptive. In summary, the available evidence is currently insufficient to determine the role of this variant in disease. Therefore, it has been classified as a Variant of Uncertain Significance.